The following is an entry in ClinVar:

NM_014712.3(SETD1A):c.4171A>G (p.Arg1391Gly)

Gene: SETD1A (SET domain containing 1A, histone lysine methyltransferase; plus strand). Cytogenetic location: 16p11.2.
Variant type: single nucleotide variant.
Coding change: c.4171A>G on transcript NM_014712.3 (MANE Select); coding-DNA position 4171, A replaced by G.
Protein change: p.Arg1391Gly; replaces arginine 1391 with glycine.
Molecular consequence: missense variant.
Genome position (GRCh38, 1-based): chr16:30,979,957, A>G. VCF-style: chr16-30979957-A-G. GRCh37 (hg19) VCF-style: chr16-30991278-A-G.
Other names: short protein forms R1391G.
Identifiers: ClinVar variation 2211518 (VCV002211518.26), dbSNP rs745871785, ClinGen allele CA8017465.

ClinVar aggregate classification (germline): Conflicting classifications of pathogenicity. Review status: criteria provided, conflicting classifications (1 of 4 stars). 2 submissions from 2 submitters: Uncertain significance (1); Likely benign (1). Last evaluated 2023-09-01.

Conditions:
Inborn genetic diseases. Identifiers: MedGen C0950123, MeSH D030342.

Allele frequency attached by ClinVar (database versions not stated): gnomAD exomes 0.00008; TOPMed 0.00019; gnomAD 0.00023; 1000 Genomes Project 30x 0.00031; ExAC 0.00051.
gnomAD v4.1: 152 of 1,531,380 alleles (0.0099%); highest among the groups gnomAD compares: Middle Eastern, 0.28%; no homozygotes.

Submissions (2):

CeGaT Center for Human Genetics Tuebingen
Classification: Likely benign. Last evaluated: 2023-09-01. Review status: criteria provided, single submitter. Criteria: CeGaT Center For Human Genetics Tuebingen Variant Classification Criteria Version 2. Collection method: clinical testing. Allele origin: germline. Affected: yes. Observed: 1 variant allele.
Comment: SETD1A: BS2

Ambry Genetics
Classification: Uncertain significance for Inborn genetic diseases. Last evaluated: 2021-08-17. Review status: criteria provided, single submitter. Criteria: Ambry Variant Classification Scheme 2023. Collection method: clinical testing. Allele origin: germline.